The following is an entry in ClinVar:

ClinVar aggregate classification (germline): Uncertain significance (1 of 4 stars; one submission).

Allele frequency attached by ClinVar (database versions not stated): gnomAD exomes below 0.00001; gnomAD 0.00001; TOPMed below 0.00001.
gnomAD v4.1: 5 of 1,613,858 alleles (0.00031%); highest among the groups gnomAD compares: Non-Finnish European, 0.00042%; no homozygotes.

Submission:

Labcorp Genetics (formerly Invitae), Labcorp
Classification: Uncertain significance. Last evaluated: 2025-05-16. Review status: criteria provided, single submitter. Criteria: Invitae Variant Classification Sherloc (09022015). Collection method: clinical testing. Allele origin: germline.
Comment: This sequence change replaces proline, which is neutral and non-polar, with arginine, which is basic and polar, at codon 539 of the ACO2 protein (p.Pro539Arg). This variant is present in population databases (no rsID available, gnomAD 0.0009%). This variant has not been reported in the literature in individuals affected with ACO2-related conditions. ClinVar contains an entry for this variant (Variation ID: 2090966). Invitae Evidence Modeling of protein sequence and biophysical properties (such as structural, functional, and spatial information, amino acid conservation, physicochemical variation, residue mobility, and thermodynamic stability) indicates that this missense variant is not expected to disrupt ACO2 protein function with a negative predictive value of 80%. In summary, the available evidence is currently insufficient to determine the role of this variant in disease. Therefore, it has been classified as a Variant of Uncertain Significance.

NM_001098.3(ACO2):c.1616C>G (p.Pro539Arg)

Genes: ACO2 (aconitase 2; plus strand), LOC130067544 (ATAC-STARR-seq lymphoblastoid active region 19118; plus strand). Cytogenetic location: 22q13.2.
Variant type: single nucleotide variant.
Coding change: c.1616C>G on transcript NM_001098.3 (MANE Select); coding-DNA position 1616, C replaced by G.
Protein change: p.Pro539Arg; replaces proline 539 with arginine.
Molecular consequence: missense variant.
Genome position (GRCh38, 1-based): chr22:41,525,203, C>G. VCF-style: chr22-41525203-C-G. GRCh37 (hg19) VCF-style: chr22-41921207-C-G.
Other names: short protein forms P539R.
Identifiers: ClinVar variation 2090966 (VCV002090966.4), dbSNP rs1176192778, ClinGen allele CA411727565.
Genomic context (GRCh38, chr22:41,525,203, plus strand): 5'-TGTGGGAACTGAGGACTCAGCACCCCACGCATCCCCATTCCCTGCTGCAGGAGTTTGACC[C>G]AGGGCAGGACACCTACCAGCACCCACCCAAGGACAGCAGCGGGCAGCATGTGGACGTGAG-3'
Protein context (NP_001089.1, residues 529-549): ADELPKGEFD[Pro539Arg]GQDTYQHPPK